The following is an entry in ClinVar:

ClinVar aggregate classification (germline): Uncertain significance (1 of 4 stars; one submission).

Submission:

Labcorp Genetics (formerly Invitae), Labcorp
Classification: Uncertain significance. Last evaluated: 2024-07-19. Review status: criteria provided, single submitter. Criteria: Invitae Variant Classification Sherloc (09022015). Collection method: clinical testing. Allele origin: germline.
Comment: This sequence change falls in intron 10 of the COL9A3 gene. It does not directly change the encoded amino acid sequence of the COL9A3 protein. It affects a nucleotide within the consensus splice site. This variant is not present in population databases (gnomAD no frequency). This variant has not been reported in the literature in individuals affected with COL9A3-related conditions. Variants that disrupt the consensus splice site are a relatively common cause of aberrant splicing (PMID: 17576681, 9536098). Algorithms developed to predict the effect of sequence changes on RNA splicing suggest that this variant may disrupt the consensus splice site. In summary, the available evidence is currently insufficient to determine the role of this variant in disease. Therefore, it has been classified as a Variant of Uncertain Significance.

Literature cited by the submitters: PubMed 17576681; PubMed 9536098.

NM_001853.4(COL9A3):c.519+3A>C

Gene: COL9A3 (collagen type IX alpha 3 chain; plus strand). Cytogenetic location: 20q13.33.
Variant type: single nucleotide variant.
Coding change: c.519+3A>C on transcript NM_001853.4 (MANE Select); 3 bases into the intron after coding-DNA position 519, A replaced by C.
Molecular consequence: intron variant.
Genome position (GRCh38, 1-based): chr20:62,822,635, A>C. VCF-style: chr20-62822635-A-C. GRCh37 (hg19) VCF-style: chr20-61453987-A-C.
Identifiers: ClinVar variation 3659281 (VCV003659281.2).